The following is an entry in ClinVar:

NM_020911.2(PLXNA4):c.3739G>A (p.Gly1247Ser)

Gene: PLXNA4 (plexin A4; minus strand). Cytogenetic location: 7q32.3.
Variant type: single nucleotide variant.
Coding change: c.3739G>A on transcript NM_020911.2 (MANE Select); coding-DNA position 3739, G replaced by A.
Protein change: p.Gly1247Ser; replaces glycine 1247 with serine.
Molecular consequence: missense variant.
Genome position (GRCh38, 1-based): chr7:132,179,822, C>T on the plus strand (G>A on the coding strand, the complement: PLXNA4 is on the minus strand). VCF-style: chr7-132179822-C-T. GRCh37 (hg19) VCF-style: chr7-131864581-C-T.
Other names: c.3739G>A, p.Gly1247Ser (NM_001393897.1); short protein forms G1247S.
Identifiers: ClinVar variation 2634880 (VCV002634880.3), dbSNP rs773306424, ClinGen allele CA4489389.
Genomic context (GRCh38, chr7:132,179,822, plus strand): 5'-TTTCGCGGGACTTGCGTTTATAGGCAATGAGCACGGCCACGATGAAAATGATGAGGAGGC[C>T]GCCAGCCACTGCGATGCTGACGATGGCGGGCAGGCTGAGCGGGCTGTCCGGGGCAATGTA-3'
Protein context (NP_065962.1, residues 1237-1257): PAIVSIAVAG[Gly1247Ser]LLIIFIVAVL

ClinVar aggregate classification (germline): Uncertain significance (1 of 4 stars; one submission).

Conditions:
PLXNA4-related disorder. Also called: PLXNA4-related condition.

Allele frequency attached by ClinVar (database versions not stated): gnomAD 0.00002; TOPMed 0.00003; ExAC 0.00005; gnomAD exomes 0.00006.
gnomAD v4.1: 87 of 1,612,762 alleles (0.0054%); highest among the groups gnomAD compares: Non-Finnish European, 0.0067%; no homozygotes.

Submission:

PreventionGenetics, part of Exact Sciences
Classification: Uncertain significance for PLXNA4-related condition. Last evaluated: 2026-05-08. Review status: criteria provided, single submitter. Criteria: ACMG Guidelines, 2015. Collection method: clinical testing. Allele origin: germline.
Comment: The PLXNA4 c.3739G>A variant is predicted to result in the amino acid substitution p.Gly1247Ser. To our knowledge, this variant has not been reported in the literature. This variant is reported in 0.0080% of alleles in individuals of European (Non-Finnish) descent in gnomAD. At this time, the clinical significance of this variant is uncertain due to the absence of conclusive functional and genetic evidence.